The following is an entry in ClinVar:

NM_004369.4(COL6A3):c.4172T>C (p.Val1391Ala)

Gene: COL6A3 (collagen type VI alpha 3 chain; minus strand). Cytogenetic location: 2q37.3.
Variant type: single nucleotide variant.
Coding change: c.4172T>C on transcript NM_004369.4 (MANE Select); coding-DNA position 4172, T replaced by C.
Protein change: p.Val1391Ala; replaces valine 1391 with alanine.
Molecular consequence: missense variant.
Genome position (GRCh38, 1-based): chr2:237,371,845, A>G on the plus strand (T>C on the coding strand, the complement: COL6A3 is on the minus strand). VCF-style: chr2-237371845-A-G. GRCh37 (hg19) VCF-style: chr2-238280488-A-G.
Other names: c.2951T>C, p.Val984Ala (NM_057164.5); c.3554T>C, p.Val1185Ala (NM_057165.5, NM_057167.4); c.2351T>C, p.Val784Ala (NM_057166.5); short protein forms V984A, V1185A, V1391A, V784A.
Identifiers: ClinVar variation 5007975 (VCV005007975.1).

ClinVar aggregate classification (germline): Uncertain significance (1 of 4 stars; one submission).

Submission:

GeneDx
Classification: Uncertain significance. Last evaluated: 2026-02-24. Review status: criteria provided, single submitter. Criteria: GeneDx Variant Classification Process June 2021. Collection method: clinical testing. Allele origin: germline.
Comment: Not observed at significant frequency in large population cohorts (gnomAD); In silico analysis supports that this missense variant has a deleterious effect on protein structure/function; Has not been previously published as pathogenic or benign to our knowledge